The following is an entry in ClinVar:

NM_000169.3(GLA):c.821G>T (p.Gly274Val)

Genes: GLA (galactosidase alpha; minus strand), RPL36A-HNRNPH2 (RPL36A-HNRNPH2 readthrough; plus strand). Cytogenetic location: Xq22.1.
Variant type: single nucleotide variant.
Coding change: c.821G>T on transcript NM_000169.3 (MANE Select); coding-DNA position 821, G replaced by T.
Protein change: p.Gly274Val; replaces glycine 274 with valine.
Molecular consequence: missense variant. On other transcripts: non-coding transcript variant (3), intron variant (2).
Genome position (GRCh38, 1-based): chrX:101,398,548, C>A on the plus strand (G>T on the coding strand, the complement: GLA is on the minus strand). VCF-style: chrX-101398548-C-A. GRCh37 (hg19) VCF-style: chrX-100653536-C-A.
Other names: c.944G>T, p.Gly315Val (NM_001406747.1); c.821G>T, p.Gly274Val (NM_001406748.1); c.300+3091C>A (NM_001199973.2); c.177+6726C>A (NM_001199974.2); short protein forms G274V, G315V.
Identifiers: ClinVar variation 4087533 (VCV004087533.2).
Genomic context (GRCh38, chrX:101,398,548, plus strand): 5'-AAAGGAGCAGCCATGATAGCCCAGAGGGCCATCTGAGTTACTTGCTGATTCCAGCTGAGG[C>A]CAAAGTTGCCAATCACTAACTGAGAAAAAGAATGAAATAATTCAAACAAGAGAGGAGGAA-3'
Protein context (NP_000160.1, residues 264-284): DPDMLVIGNF[Gly274Val]LSWNQQVTQM

ClinVar aggregate classification (germline): Likely pathogenic (1 of 4 stars; one submission).

Conditions:
Fabry disease. Also called: ALPHA-GALACTOSIDASE A DEFICIENCY; ANDERSON-FABRY DISEASE; CERAMIDE TRIHEXOSIDASE DEFICIENCY; GLA DEFICIENCY; HEREDITARY DYSTOPIC LIPIDOSIS; Angiokeratoma corporis diffusum. Identifiers: Orphanet 324, MedGen C0002986, MONDO:0010526, OMIM 301500, HP:0001071. Disease mechanism: Fabry disease is due to inactivating mutations in the X-linked GLA gene resulting in deficiency of the enzyme Alpha Galactosidase-A., loss of function.

Submission:

Genomenon, Inc
Classification: Likely pathogenic for Fabry disease. Last evaluated: 2026-09-08. Review status: criteria provided, single submitter. Criteria: Genomenon Sequence Variant Interpretation Standards - Updated. Collection method: curation. Allele origin: germline. Affected: no.
Comment: GLA p.Gly274Val (c.821G>T) is a missense variant that changes the amino acid at codon 274 from Glycine to Valine. This variant has been reported in the published literature (PMID:33040545;27657681). At least one functional study has demonstrated a substantial alteration in protein function relative to the wild-type (PMID:27657681). It is absent or not present at a significant frequency in gnomAD. In silico models predict that this variant is possibly or probably damaging. In conclusion, we classify GLA p.Gly274Val (c.821G>T) as a likely pathogenic variant.

Literature cited by the submitters: PubMed 33040545; PubMed 27657681.